The following is an entry in ClinVar:

NM_018916.4(PCDHGA3):c.1143G>A (p.Gln381=)

Genes: PCDHG@ (protocadherin gamma cluster; plus strand), PCDHGA1 (protocadherin gamma subfamily A, 1; plus strand), PCDHGA2 (protocadherin gamma subfamily A, 2; plus strand), PCDHGA3 (protocadherin gamma subfamily A, 3; plus strand). Cytogenetic location: 5q31.3.
Variant type: single nucleotide variant.
Coding change: c.1143G>A on transcript NM_018916.4 (MANE Select); coding-DNA position 1143, G replaced by A.
Protein change: p.Gln381=; no amino-acid change (glutamine 381 retained).
Molecular consequence: synonymous variant. On other transcripts: intron variant (2).
Genome position (GRCh38, 1-based): chr5:141,345,176, G>A. VCF-style: chr5-141345176-G-A. GRCh37 (hg19) VCF-style: chr5-140724743-G-A.
Other names: c.1143G>A, p.Gln381= (NM_032011.2); c.2421+12071G>A (NM_018912.3); c.2424+3781G>A (NM_018915.4).
Identifiers: ClinVar variation 2655841 (VCV002655841.24), dbSNP rs765931981, ClinGen allele CA3467938.

ClinVar aggregate classification (germline): Likely benign (1 of 4 stars; one submission).

Allele frequency attached by ClinVar (database versions not stated): ExAC 0.00002; gnomAD 0.00003; TOPMed 0.00003; gnomAD exomes 0.00005.
gnomAD v4.1: 83 of 1,613,852 alleles (0.0051%); highest among the groups gnomAD compares: Middle Eastern, 0.033%; no homozygotes.

Submission:

CeGaT Center for Human Genetics Tuebingen
Classification: Likely benign. Last evaluated: 2022-09-01. Review status: criteria provided, single submitter. Criteria: CeGaT Center For Human Genetics Tuebingen Variant Classification Criteria Version 2. Collection method: clinical testing. Allele origin: germline. Affected: yes. Observed: 1 variant allele.
Comment: PCDHGA3: BP4, BP7